The following is an entry in ClinVar:

ClinVar aggregate classification (germline): Uncertain significance (1 of 4 stars; one submission).

Conditions:
Neuronal ceroid lipofuscinosis. Also called: Neuronal Ceroid Lipofuscinoses. Identifiers: Orphanet 216, Orphanet 79263, MedGen C0027877, MONDO:0016295. Disease mechanism: loss of function.

Submission:

Labcorp Genetics (formerly Invitae), Labcorp
Classification: Uncertain significance for Neuronal ceroid lipofuscinosis. Last evaluated: 2022-08-15. Review status: criteria provided, single submitter. Criteria: Invitae Variant Classification Sherloc (09022015). Collection method: clinical testing. Allele origin: germline.
Comment: In summary, the available evidence is currently insufficient to determine the role of this variant in disease. Therefore, it has been classified as a Variant of Uncertain Significance. This sequence change replaces arginine, which is basic and polar, with cysteine, which is neutral and slightly polar, at codon 29 of the CLN5 protein (p.Arg29Cys). This variant is not present in population databases (gnomAD no frequency). This variant has not been reported in the literature in individuals affected with CLN5-related conditions. ClinVar contains an entry for this variant (Variation ID: 1494180). Algorithms developed to predict the effect of missense changes on protein structure and function are either unavailable or do not agree on the potential impact of this missense change (SIFT: "Deleterious"; PolyPhen-2: "Possibly Damaging"; Align-GVGD: "Class C0").

NC_000013.11:g.76992036C>T

Gene: CLN5 (CLN5 lysosomal BMP synthase; plus strand). Cytogenetic location: 13q22.3.
Variant type: single nucleotide variant.
Genome position: GRCh38 VCF-style: chr13-76992036-C-T. GRCh37 (hg19) VCF-style: chr13-77566171-C-T.
Identifiers: ClinVar variation 1494180 (VCV001494180.9), dbSNP rs2154034208, ClinGen allele CA388305925.